The following is an entry in ClinVar:

NM_001142800.2(EYS):c.2287T>G (p.Trp763Gly)

Gene: EYS (eyes shut homolog; minus strand). Cytogenetic location: 6q12.
Variant type: single nucleotide variant.
Coding change: c.2287T>G on transcript NM_001142800.2 (MANE Select); coding-DNA position 2287, T replaced by G.
Protein change: p.Trp763Gly; replaces tryptophan 763 with glycine.
Molecular consequence: missense variant.
Genome position (GRCh38, 1-based): chr6:64,945,887, A>C on the plus strand (T>G on the coding strand, the complement: EYS is on the minus strand). VCF-style: chr6-64945887-A-C. GRCh37 (hg19) VCF-style: chr6-65655780-A-C.
Other names: c.2287T>G, p.Trp763Gly (NM_001292009.2); short protein forms W763G.
Identifiers: ClinVar variation 1172713 (VCV001172713.7), dbSNP rs886061684, ClinGen allele CA364788229.

ClinVar aggregate classification (germline): Uncertain significance. Review status: criteria provided, multiple submitters, no conflicts (2 of 4 stars). 2 submissions from 2 submitters: Uncertain significance (2). Last evaluated 2022-07-12.

Conditions:
Retinitis pigmentosa 25 (RP25). Identifiers: Orphanet 791, MedGen C1864446, MONDO:0011272, OMIM 602772.

Submissions (2):

Labcorp Genetics (formerly Invitae), Labcorp
Classification: Uncertain significance. Last evaluated: 2022-07-12. Review status: criteria provided, single submitter. Criteria: Invitae Variant Classification Sherloc (09022015). Collection method: clinical testing. Allele origin: germline.
Comment: This sequence change replaces tryptophan, which is neutral and slightly polar, with glycine, which is neutral and non-polar, at codon 763 of the EYS protein (p.Trp763Gly). This variant is not present in population databases (gnomAD no frequency). This variant has not been reported in the literature in individuals affected with EYS-related conditions. ClinVar contains an entry for this variant (Variation ID: 1172713). Algorithms developed to predict the effect of missense changes on protein structure and function (SIFT, PolyPhen-2, Align-GVGD) all suggest that this variant is likely to be disruptive. In summary, the available evidence is currently insufficient to determine the role of this variant in disease. Therefore, it has been classified as a Variant of Uncertain Significance.

DBGen Ocular Genomics
Classification: Uncertain significance for Retinitis pigmentosa 25. Last evaluated: 2021-05-21. Review status: criteria provided, single submitter. Criteria: ACMG Guidelines, 2015. Collection method: clinical testing. Allele origin: germline. Affected: yes. Observed: 1 variant allele.